The following is an entry in ClinVar:

NM_001458.5(FLNC):c.7351G>A (p.Val2451Met)

Genes: FLNC (filamin C; plus strand), FLNC-AS1 (FLNC antisense RNA 1; minus strand). Cytogenetic location: 7q32.1.
Variant type: single nucleotide variant.
Coding change: c.7351G>A on transcript NM_001458.5 (MANE Select); coding-DNA position 7351, G replaced by A.
Protein change: p.Val2451Met; replaces valine 2451 with methionine.
Molecular consequence: missense variant.
Genome position (GRCh38, 1-based): chr7:128,856,617, G>A. VCF-style: chr7-128856617-G-A. GRCh37 (hg19) VCF-style: chr7-128496671-G-A.
Other names: c.7252G>A, p.Val2418Met (NM_001127487.2); short protein forms V2451M, V2418M.
Identifiers: ClinVar variation 1758456 (VCV001758456.2), dbSNP rs2536669751, ClinGen allele CA369216915.
Genomic context (GRCh38, chr7:128,856,617, plus strand): 5'-GTGCAGCTGAACGGTGCCCGGGGCGTGATTGATGCCCGGGTGCACACACCCTCGGGGGCT[G>A]TGGAGGAGTGCTACGTCTCTGAGCTGGACAGTGGTGAGCTGGCCCTGCCCCTGCCAACTC-3'
Protein context (NP_001449.3, residues 2441-2461): DARVHTPSGA[Val2451Met]EECYVSELDS

ClinVar aggregate classification (germline): Uncertain significance (1 of 4 stars; one submission).

Conditions:
Cardiovascular phenotype. Identifiers: MedGen CN230736.

Allele frequency attached by ClinVar (database versions not stated): gnomAD exomes below 0.00001.
gnomAD v4.1: 1 of 1,612,784 alleles (0.000062%); highest among the groups gnomAD compares: Non-Finnish European, 0.000085%; no homozygotes.

Submission:

Ambry Genetics
Classification: Uncertain significance for Cardiovascular phenotype. Last evaluated: 2020-06-24. Review status: criteria provided, single submitter. Criteria: Ambry Variant Classification Scheme 2023. Collection method: clinical testing. Allele origin: germline.
Comment: The p.V2451M variant (also known as c.7351G>A), located in coding exon 44 of the FLNC gene, results from a G to A substitution at nucleotide position 7351. The valine at codon 2451 is replaced by methionine, an amino acid with highly similar properties. This amino acid position is well conserved in available vertebrate species. In addition, the in silico prediction for this alteration is inconclusive. Since supporting evidence is limited at this time, the clinical significance of this alteration remains unclear.